The following is an entry in ClinVar:

NM_033400.3(ZFHX2):c.2918G>A (p.Ser973Asn)

Genes: THTPA (thiamine triphosphatase; plus strand), ZFHX2 (zinc finger homeobox 2; minus strand). Cytogenetic location: 14q11.2.
Variant type: single nucleotide variant.
Coding change: c.2918G>A on transcript NM_033400.3 (MANE Select); coding-DNA position 2918, G replaced by A.
Protein change: p.Ser973Asn; replaces serine 973 with asparagine.
Molecular consequence: missense variant.
Genome position (GRCh38, 1-based): chr14:23,529,726, C>T on the plus strand (G>A on the coding strand, the complement: ZFHX2 is on the minus strand). VCF-style: chr14-23529726-C-T. GRCh37 (hg19) VCF-style: chr14-23998935-C-T.
Other names: c.2918G>A (NM_033400.2); short protein forms S973N.
Identifiers: ClinVar variation 1675534 (VCV001675534.38), dbSNP rs776557447, ClinGen allele CA257795884.
Genomic context (GRCh38, chr14:23,529,726, plus strand): 5'-GCCAGGCCCCCACTTCAGCTCTTCCCAGTTACCCCAATTCTGACCGTGGTCTGGTTGGCA[C>T]TGTCTCTGGAAGGGCCAGTCTTGTTTTCTGTCTCTTCTGAAGCTGAGGATGAAAGAAGAG-3'
Protein context (NP_207646.2, residues 963-983): TENKTGPSRD[Ser973Asn]ANQTTVYCCP

ClinVar aggregate classification (germline): Uncertain significance. Review status: criteria provided, multiple submitters, no conflicts (2 of 4 stars). 4 submissions from 4 submitters: Uncertain significance (4). Last evaluated 2026-04-03.

Allele frequency attached by ClinVar (database versions not stated): gnomAD exomes 0.00010 and 0.00020; gnomAD 0.00011 and 0.00012; TOPMed 0.00013.
gnomAD v4.1: 297 of 1,536,114 alleles (0.019%); highest among the groups gnomAD compares: Middle Eastern, 0.05%; no homozygotes.

Submissions (4):

Women's Health and Genetics/Laboratory Corporation of America, LabCorp
Classification: Uncertain significance. Last evaluated: 2026-04-03. Review status: criteria provided, single submitter. Criteria: LabCorp Variant Classification Summary - May 2015. Collection method: clinical testing. Allele origin: germline.
Comment: Variant summary: ZFHX2 c.2918G>A (p.Ser973Asn) results in a conservative amino acid change in the encoded protein sequence. Algorithms developed to predict the effect of missense changes on protein structure and function are either unavailable or do not agree on the potential impact of this missense change. The variant allele was found at a frequency of 0.0001 in 135538 control chromosomes. This frequency is not significantly higher than estimated for disease-causing variants in ZFHX2, allowing no conclusion about variant significance. To our knowledge, no occurrence of c.2918G>A in individuals affected with ZFHX2-related conditions and no experimental evidence demonstrating its impact on protein function have been reported. ClinVar contains an entry for this variant (Variation ID: 1675534). Based on the evidence outlined above, the variant was classified as uncertain significance.

CeGaT Center for Human Genetics Tuebingen
Classification: Uncertain significance. Last evaluated: 2022-02-01. Review status: criteria provided, single submitter. Criteria: CeGaT Center For Human Genetics Tuebingen Variant Classification Criteria Version 2. Collection method: clinical testing. Allele origin: germline. Affected: yes. Observed: 1 variant allele.

Ambry Genetics
Classification: Uncertain significance. Last evaluated: 2021-08-12. Review status: criteria provided, single submitter. Criteria: Ambry Variant Classification Scheme 2023. Collection method: clinical testing. Allele origin: germline.

Breakthrough Genomics
Classification: Uncertain significance. Review status: criteria provided, single submitter. Criteria: ACMG Guidelines, 2015. Collection method: not provided. Allele origin: germline. Inheritance: Autosomal dominant inheritance. Affected: yes.